The following is an entry in ClinVar:

ClinVar aggregate classification (germline): Uncertain significance (0 of 4 stars; one submission).

Conditions:
RPGRIP1L-related disorder. Also called: RPGRIP1L-related condition; RPGRIP1L-related disorders. Identifiers: MedGen CN239416.

gnomAD v4.1: 1 of 1,600,202 alleles (0.000062%); highest among the groups gnomAD compares: Admixed American, 0.0017%; no homozygotes.

Submission:

PreventionGenetics, part of Exact Sciences
Classification: Uncertain significance for RPGRIP1L-related condition. Last evaluated: 2024-08-19. Review status: no assertion criteria provided. Collection method: clinical testing. Allele origin: germline.
Comment: The RPGRIP1L c.1261G>T variant is predicted to result in the amino acid substitution p.Val421Phe. To our knowledge, this variant has not been reported in the literature. This variant is reported in 0.0030% of alleles in individuals of Latino descent in gnomAD. At this time, the clinical significance of this variant is uncertain due to the absence of conclusive functional and genetic evidence.

NM_015272.5(RPGRIP1L):c.1261G>T (p.Val421Phe)

Gene: RPGRIP1L (RPGRIP1 like; minus strand). Cytogenetic location: 16q12.2.
Variant type: single nucleotide variant.
Coding change: c.1261G>T on transcript NM_015272.5 (MANE Select); coding-DNA position 1261, G replaced by T.
Protein change: p.Val421Phe; replaces valine 421 with phenylalanine.
Molecular consequence: missense variant.
Genome position (GRCh38, 1-based): chr16:53,658,861, C>A on the plus strand (G>T on the coding strand, the complement: RPGRIP1L is on the minus strand). VCF-style: chr16-53658861-C-A. GRCh37 (hg19) VCF-style: chr16-53692773-C-A.
Other names: c.1261G>T, p.Val421Phe (NM_001127897.4, NM_001308334.3, NM_001330538.2); short protein forms V421F.
Identifiers: ClinVar variation 3350328 (VCV003350328.1).